The following is an entry in ClinVar:

ClinVar aggregate classification (germline): Uncertain significance. Review status: criteria provided, multiple submitters, no conflicts (2 of 4 stars). 2 submissions from 2 submitters: Uncertain significance (2). Last evaluated 2021-04-20.

Allele frequency attached by ClinVar (database versions not stated): gnomAD exomes below 0.00001; ExAC 0.00001.
gnomAD v4.1: 1 of 1,613,976 alleles (0.000062%); highest among the groups gnomAD compares: Admixed American, 0.0017%; no homozygotes.

Submissions (2):

Blueprint Genetics
Classification: Uncertain significance. Last evaluated: 2021-04-20. Review status: criteria provided, single submitter. Criteria: ACMG Guidelines, 2015. Collection method: clinical testing. Allele origin: germline.

Labcorp Genetics (formerly Invitae), Labcorp
Classification: Uncertain significance. Last evaluated: 2019-09-21. Review status: criteria provided, single submitter. Criteria: Invitae Variant Classification Sherloc (09022015). Collection method: clinical testing. Allele origin: germline.
Comment: This sequence change replaces serine with threonine at codon 1044 of the IMPG2 protein (p.Ser1044Thr). The serine residue is highly conserved and there is a small physicochemical difference between serine and threonine. This variant is present in population databases (rs749595871, ExAC 0.009%). In summary, the available evidence is currently insufficient to determine the role of this variant in disease. Therefore, it has been classified as a Variant of Uncertain Significance. Algorithms developed to predict the effect of missense changes on protein structure and function (SIFT, PolyPhen-2, Align-GVGD) all suggest that this variant is likely to be disruptive, but these predictions have not been confirmed by published functional studies and their clinical significance is uncertain.

NM_016247.4(IMPG2):c.3131G>C (p.Ser1044Thr)

Gene: IMPG2 (interphotoreceptor matrix proteoglycan 2; minus strand). Cytogenetic location: 3q12.3.
Variant type: single nucleotide variant.
Coding change: c.3131G>C on transcript NM_016247.4 (MANE Select); coding-DNA position 3131, G replaced by C.
Protein change: p.Ser1044Thr; replaces serine 1044 with threonine.
Molecular consequence: missense variant.
Genome position (GRCh38, 1-based): chr3:101,232,883, C>G on the plus strand (G>C on the coding strand, the complement: IMPG2 is on the minus strand). VCF-style: chr3-101232883-C-G. GRCh37 (hg19) VCF-style: chr3-100951727-C-G.
Other names: short protein forms S1044T.
Identifiers: ClinVar variation 960541 (VCV000960541.10), dbSNP rs749595871, ClinGen allele CA2518825.
Genomic context (GRCh38, chr3:101,232,883, plus strand): 5'-TCATTCAAGCAGAAGTCAGGCTGTAGGTCACAGAGACTCTGACAGGGCCGTTCTTCCACA[C>G]TCAGGTATCCAGGGAAGCATCTGCACTTTGCTTCTCCACTCCAGGGGTTGACCAGACACT-3'
Protein context (NP_057331.2, residues 1034-1054): AKCRCFPGYL[Ser1044Thr]VEERPCQSLC